The following is an entry in ClinVar:

ClinVar aggregate classification (germline): Uncertain significance. Review status: criteria provided, multiple submitters, no conflicts (2 of 4 stars). 4 submissions from 4 submitters: Uncertain significance (4). Last evaluated 2024-11-11.

Conditions:
Retinitis pigmentosa (RP). Identifiers: Orphanet 791, MedGen C0035334, MeSH D012174, MONDO:0019200, OMIM 268000. Inheritance: Autosomal dominant, autosomal recessive and X linked inheritance.

Allele frequency attached by ClinVar (database versions not stated): ExAC 0.00012; TOPMed 0.00012; gnomAD exomes 0.00014 and 0.00021; 1000 Genomes Project 30x 0.00016; gnomAD 0.00019 and 0.00020; 1000 Genomes Project 0.00020; ESP Exome Variant Server 0.00025.

Submissions (4):

Labcorp Genetics (formerly Invitae), Labcorp
Classification: Uncertain significance. Last evaluated: 2024-11-11. Review status: criteria provided, single submitter. Criteria: Invitae Variant Classification Sherloc (09022015). Collection method: clinical testing. Allele origin: germline.
Comment: This sequence change replaces glutamic acid, which is acidic and polar, with aspartic acid, which is acidic and polar, at codon 59 of the PCARE protein (p.Glu59Asp). This variant is present in population databases (rs151202941, gnomAD 0.03%). This variant has not been reported in the literature in individuals affected with PCARE-related conditions. ClinVar contains an entry for this variant (Variation ID: 808720). An algorithm developed to predict the effect of missense changes on protein structure and function (PolyPhen-2) suggests that this variant is likely to be disruptive. In summary, the available evidence is currently insufficient to determine the role of this variant in disease. Therefore, it has been classified as a Variant of Uncertain Significance.

Blueprint Genetics
Classification: Uncertain significance. Last evaluated: 2024-01-18. Review status: criteria provided, single submitter. Criteria: ACMG Guidelines, 2015. Collection method: clinical testing. Allele origin: germline.

CeGaT Center for Human Genetics Tuebingen
Classification: Uncertain significance. Last evaluated: 2018-05-01. Review status: criteria provided, single submitter. Criteria: CeGaT Center For Human Genetics Tuebingen Variant Classification Criteria Version 2. Collection method: clinical testing. Allele origin: germline. Affected: yes. Observed: 1 variant allele.

Illumina Laboratory Services, Illumina
Classification: Uncertain significance for Retinitis pigmentosa. Last evaluated: 2018-01-13. Review status: criteria provided, single submitter. Criteria: ICSL Variant Classification Criteria 13 December 2019. Collection method: clinical testing. Allele origin: germline.

NM_001029883.3(PCARE):c.177G>C (p.Glu59Asp)

Gene: PCARE (photoreceptor cilium actin regulator; minus strand). Cytogenetic location: 2p23.2.
Variant type: single nucleotide variant.
Coding change: c.177G>C on transcript NM_001029883.3 (MANE Select); coding-DNA position 177, G replaced by C.
Protein change: p.Glu59Asp; replaces glutamic acid 59 with aspartic acid.
Molecular consequence: missense variant.
Genome position (GRCh38, 1-based): chr2:29,074,085, C>G on the plus strand (G>C on the coding strand, the complement: PCARE is on the minus strand). VCF-style: chr2-29074085-C-G. GRCh37 (hg19) VCF-style: chr2-29296951-C-G.
Other names: short protein forms E59D.
Identifiers: ClinVar variation 808720 (VCV000808720.53), dbSNP rs151202941, ClinGen allele CA1592696.